The following is an entry in ClinVar:

ClinVar aggregate classification (germline): Uncertain significance (1 of 4 stars; one submission).

Submission:

Labcorp Genetics (formerly Invitae), Labcorp
Classification: Uncertain significance. Last evaluated: 2022-03-18. Review status: criteria provided, single submitter. Criteria: Invitae Variant Classification Sherloc (09022015). Collection method: clinical testing. Allele origin: germline.
Comment: Algorithms developed to predict the effect of missense changes on protein structure and function are either unavailable or do not agree on the potential impact of this missense change (SIFT: "Deleterious"; PolyPhen-2: "Probably Damaging"; Align-GVGD: "Class C0"). In summary, the available evidence is currently insufficient to determine the role of this variant in disease. Therefore, it has been classified as a Variant of Uncertain Significance. This variant has not been reported in the literature in individuals affected with EYS-related conditions. This variant is not present in population databases (gnomAD no frequency). This sequence change replaces asparagine, which is neutral and polar, with tyrosine, which is neutral and polar, at codon 2779 of the EYS protein (p.Asn2779Tyr).

NM_001142800.2(EYS):c.8335A>T (p.Asn2779Tyr)

Genes: EYS (EGF-like photoreceptor maintenance factor; minus strand), PHF3 (PHD finger protein 3; plus strand). Cytogenetic location: 6q12.
Variant type: single nucleotide variant.
Coding change: c.8335A>T on transcript NM_001142800.2 (MANE Select); coding-DNA position 8335, A replaced by T.
Protein change: p.Asn2779Tyr; replaces asparagine 2779 with tyrosine.
Molecular consequence: missense variant. On other transcripts: 3 prime UTR variant (5).
Genome position (GRCh38, 1-based): chr6:63,721,696, T>A on the plus strand (A>T on the coding strand, the complement: EYS is on the minus strand). VCF-style: chr6-63721696-T-A. GRCh37 (hg19) VCF-style: chr6-64431592-T-A.
Other names: c.*7988T>A (NM_001290259.2, NM_001370348.2, NM_001370349.2 and 2 more transcripts); c.8398A>T, p.Asn2800Tyr (NM_001292009.2); short protein forms N2800Y, N2779Y.
Identifiers: ClinVar variation 2107957 (VCV002107957.4), dbSNP rs2533393059, ClinGen allele CA364385163.